The following is an entry in ClinVar:

ClinVar aggregate classification (germline): Uncertain significance (1 of 4 stars; one submission).

Conditions:
Inborn genetic diseases. Identifiers: MedGen C0950123, MeSH D030342.

Submission:

Ambry Genetics
Classification: Uncertain significance for Inborn genetic diseases. Last evaluated: 2025-04-06. Review status: criteria provided, single submitter. Criteria: Ambry Variant Classification Scheme 2023. Collection method: clinical testing. Allele origin: germline.
Comment: The p.T64S variant (also known as c.190A>T), located in coding exon 1 of the G6PC3 gene, results from an A to T substitution at nucleotide position 190. The threonine at codon 64 is replaced by serine, an amino acid with similar properties. This amino acid position is conserved. In addition, this alteration is predicted to be tolerated by in silico analysis. Based on the available evidence, the clinical significance of this variant remains unclear.

NM_138387.4(G6PC3):c.190A>T (p.Thr64Ser)

Genes: G6PC3 (glucose-6-phosphatase catalytic subunit 3; plus strand), LOC130060959 (ATAC-STARR-seq lymphoblastoid active region 12250; plus strand). Cytogenetic location: 17q21.31.
Variant type: single nucleotide variant.
Coding change: c.190A>T on transcript NM_138387.4 (MANE Select); coding-DNA position 190, A replaced by T.
Protein change: p.Thr64Ser; replaces threonine 64 with serine.
Molecular consequence: missense variant. On other transcripts: 5 prime UTR variant (3), intron variant (1).
Genome position (GRCh38, 1-based): chr17:44,071,155, A>T. VCF-style: chr17-44071155-A-T. GRCh37 (hg19) VCF-style: chr17-42148523-A-T.
Other names: c.190A>T, p.Thr64Ser (NM_001319945.2); c.-215A>T (NM_001384165.1); c.-350A>T (NM_001384166.1); c.-340A>T (NM_001384167.1); c.-312+441A>T (NM_001384168.1); short protein forms T64S.
Identifiers: ClinVar variation 4027576 (VCV004027576.1).